The following is an entry in ClinVar:

NM_001077365.2(POMT1):c.1175C>T (p.Thr392Met)

Gene: POMT1 (protein O-mannosyltransferase 1; plus strand). Cytogenetic location: 9q34.13.
Variant type: single nucleotide variant.
Coding change: c.1175C>T on transcript NM_001077365.2 (MANE Select); coding-DNA position 1175, C replaced by T.
Protein change: p.Thr392Met; replaces threonine 392 with methionine.
Molecular consequence: missense variant. On other transcripts: non-coding transcript variant (10), intron variant (1).
Genome position (GRCh38, 1-based): chr9:131,513,331, C>T. VCF-style: chr9-131513331-C-T. GRCh37 (hg19) VCF-style: chr9-134388718-C-T.
Other names: c.1013C>T, p.Thr338Met (NM_001077366.2, NM_001353194.2); c.1175C>T, p.Thr392Met (NM_001136113.2, NM_001374690.1); c.824C>T, p.Thr275Met (NM_001136114.2, NM_001353195.2, NM_001374691.1 and 1 more transcripts); c.1241C>T, p.Thr414Met (NM_001353193.2, NM_007171.4); c.1085C>T, p.Thr362Met (NM_001353196.2); c.1079C>T, p.Thr360Met (NM_001353197.2, NM_001353198.2); c.890C>T, p.Thr297Met (NM_001353199.2); c.719C>T, p.Thr240Met (NM_001353200.2); and 3 more; short protein forms T414M, T360M, T392M, T240M, T275M, T297M, T338M, T362M.
Identifiers: ClinVar variation 39435 (VCV000039435.2), dbSNP rs397515400, ClinGen allele CA211172.

ClinVar aggregate classification (germline): Uncertain significance. Review status: criteria provided, single submitter (1 of 4 stars). 2 submissions from 2 submitters: Uncertain significance (1). 1 of the submissions does not count toward it. Last evaluated 2025-12-08.

Conditions:
Autosomal recessive limb-girdle muscular dystrophy type 2K. Also called: MUSCULAR DYSTROPHY, LIMB-GIRDLE, TYPE 2K; MUSCULAR DYSTROPHY-DYSTROGLYCANOPATHY (LIMB-GIRDLE), TYPE C, 1. Identifiers: Orphanet 86812, MedGen C1836373, MONDO:0012248, OMIM 609308.
Muscular dystrophy-dystroglycanopathy (congenital with impaired intellectual development), type B, 1. Also called: Muscular dystrophy-dystroglycanopathy (congenital with intellectual disability), type B1; MUSCULAR DYSTROPHY, CONGENITAL, POMT1-RELATED. Identifiers: MedGen C5436962, MONDO:0013159, OMIM 613155.
Walker-Warburg congenital muscular dystrophy. Also called: Muscular dystrophy-dystroglycanopathy, type A; Walker-Warburg syndrome. Identifiers: Orphanet 899, MedGen C0265221, MONDO:0000171.

Allele frequency attached by ClinVar (database versions not stated): gnomAD exomes below 0.00001 and 0.00001; TOPMed below 0.00001; ExAC 0.00001.
gnomAD v4.1: 6 of 1,610,922 alleles (0.00037%); highest among the groups gnomAD compares: Admixed American, 0.0017%; no homozygotes.

Submissions (2):

Labcorp Genetics (formerly Invitae), Labcorp
Classification: Uncertain significance for Muscular dystrophy-dystroglycanopathy (congenital with impaired intellectual development), type B, 1; Walker-Warburg congenital muscular dystrophy; Autosomal recessive limb-girdle muscular dystrophy type 2K. Last evaluated: 2025-12-08. Review status: criteria provided, single submitter. Criteria: Invitae Variant Classification Sherloc (09022015). Collection method: clinical testing. Allele origin: germline.
Comment: This sequence change replaces threonine, which is neutral and polar, with methionine, which is neutral and non-polar, at codon 414 of the POMT1 protein (p.Thr414Met). This variant is present in population databases (rs397515400, gnomAD 0.003%). This missense change has been observed in individual(s) with POMT1-related conditions (PMID: 22549409). ClinVar contains an entry for this variant (Variation ID: 39435). An algorithm developed to predict the effect of missense changes on protein structure and function (PolyPhen-2) suggests that this variant is likely to be disruptive. In summary, the available evidence is currently insufficient to determine the role of this variant in disease. Therefore, it has been classified as a Variant of Uncertain Significance.

OMIM
Classification: Pathogenic for MUSCULAR DYSTROPHY-DYSTROGLYCANOPATHY (LIMB-GIRDLE), TYPE C, 1. Last evaluated: 2012-12-01. Review status: no assertion criteria provided. Collection method: literature only. Allele origin: germline. Not counted in ClinVar's aggregate classification.

Literature cited by the submitters: PubMed 22549409 (cited by Labcorp Genetics (formerly Invitae), Labcorp and OMIM).